The following is an entry in ClinVar:

ClinVar aggregate classification (germline): Uncertain significance (1 of 4 stars; one submission).

Conditions:
ABCC12-related condition.

gnomAD v4.1: 3 of 1,613,996 alleles (0.00019%); highest among the groups gnomAD compares: Admixed American, 0.0033%; no homozygotes.

Submission:

PreventionGenetics, part of Exact Sciences
Classification: Uncertain significance for ABCC12-related condition. Last evaluated: 2026-06-29. Review status: criteria provided, single submitter. Criteria: ACMG Guidelines, 2015. Collection method: clinical testing. Allele origin: germline.
Comment: The ABCC12 c.2548G>A variant is predicted to result in the amino acid substitution p.Val850Met. To our knowledge, this variant has not been reported in the literature. This variant is reported in 0.0058% of alleles in individuals of Latino descent in gnomAD. At this time, the clinical significance of this variant is uncertain due to the absence of conclusive functional and genetic evidence.

NM_001393797.1(ABCC12):c.2548G>A (p.Val850Met)

Gene: ABCC12 (ATP binding cassette subfamily C member 12; minus strand). Cytogenetic location: 16q12.1.
Variant type: single nucleotide variant.
Coding change: c.2548G>A on transcript NM_001393797.1 (MANE Select); coding-DNA position 2548, G replaced by A.
Protein change: p.Val850Met; replaces valine 850 with methionine.
Molecular consequence: missense variant. On other transcripts: non-coding transcript variant (6).
Genome position (GRCh38, 1-based): chr16:48,105,264, C>T on the plus strand (G>A on the coding strand, the complement: ABCC12 is on the minus strand). VCF-style: chr16-48105264-C-T. GRCh37 (hg19) VCF-style: chr16-48139175-C-T.
Other names: c.2548G>A, p.Val850Met (NM_033226.3); short protein forms V850M.
Identifiers: ClinVar variation 4978046 (VCV004978046.1).
Genomic context (GRCh38, chr16:48,105,264, plus strand): 5'-CTTTGGTGACGCCAAACACCAGCATGAACACCATGCTTGCAGTGTACACCCACTGGTACA[C>T]ATGCTGACCGATGTCTGCCAGCACCGCGCCGACCTCACACATGGTCCTGTTGCCCTGGGG-3'
Protein context (NP_001380726.1, residues 840-860): GAVLADIGQH[Val850Met]YQWVYTASMV